The following is an entry in ClinVar:

ClinVar aggregate classification (germline): Uncertain significance (1 of 4 stars; one submission).

Conditions:
Muscle AMP deaminase deficiency (MMDD). Also called: Myoadenylate deaminase deficiency, myopathy due to; ADENOSINE MONOPHOSPHATE DEAMINASE-1 DEFICIENCY, MYOPATHY DUE TO; AMPD1 DEFICIENCY; Adenosine monophosphate deaminase 1 deficiency; AMP deaminase 1 deficiency; Adenosine Monophosphate Deaminase 1. Identifiers: Orphanet 45, MedGen C3714933, MONDO:0014220, OMIM 615511.

Allele frequency attached by ClinVar (database versions not stated): ExAC 0.00001; TOPMed 0.00003; gnomAD exomes 0.00004; gnomAD 0.00005.
gnomAD v4.1: 30 of 1,613,916 alleles (0.0019%); highest among the groups gnomAD compares: Admixed American, 0.033%; no homozygotes.

Submission:

Labcorp Genetics (formerly Invitae), Labcorp
Classification: Uncertain significance for Muscle AMP deaminase deficiency. Last evaluated: 2023-07-18. Review status: criteria provided, single submitter. Criteria: Invitae Variant Classification Sherloc (09022015). Collection method: clinical testing. Allele origin: germline.
Comment: In summary, the available evidence is currently insufficient to determine the role of this variant in disease. Therefore, it has been classified as a Variant of Uncertain Significance. Advanced modeling of protein sequence and biophysical properties (such as structural, functional, and spatial information, amino acid conservation, physicochemical variation, residue mobility, and thermodynamic stability) performed at Invitae indicates that this missense variant is expected to disrupt AMPD1 protein function. ClinVar contains an entry for this variant (Variation ID: 2137577). This variant has not been reported in the literature in individuals affected with AMPD1-related conditions. This variant is present in population databases (rs745489756, gnomAD 0.04%). This sequence change replaces arginine, which is basic and polar, with cysteine, which is neutral and slightly polar, at codon 757 of the AMPD1 protein (p.Arg757Cys).

NM_000036.3(AMPD1):c.2170C>T (p.Arg724Cys)

Gene: AMPD1 (adenosine monophosphate deaminase 1; minus strand). Cytogenetic location: 1p13.2.
Variant type: single nucleotide variant.
Coding change: c.2170C>T on transcript NM_000036.3 (MANE Select); coding-DNA position 2170, C replaced by T.
Protein change: p.Arg724Cys; replaces arginine 724 with cysteine.
Molecular consequence: missense variant.
Genome position (GRCh38, 1-based): chr1:114,673,188, G>A on the plus strand (C>T on the coding strand, the complement: AMPD1 is on the minus strand). VCF-style: chr1-114673188-G-A. GRCh37 (hg19) VCF-style: chr1-115215809-G-A.
Other names: c.2158C>T, p.Arg720Cys (NM_001172626.2); short protein forms R720C, R724C.
Identifiers: ClinVar variation 2137577 (VCV002137577.2), dbSNP rs745489756, ClinGen allele CA1019911.